The following is an entry in ClinVar:

ClinVar aggregate classification (germline): Conflicting classifications of pathogenicity. Review status: criteria provided, conflicting classifications (1 of 4 stars). 5 submissions from 5 submitters: Pathogenic (1); Likely pathogenic (3); Uncertain significance (1). Last evaluated 2026-06-02.

Conditions:
Medium-chain acyl-coenzyme A dehydrogenase deficiency (ACADMD). Also called: ACADM DEFICIENCY; MCADH DEFICIENCY; MCADD; CARNITINE DEFICIENCY SECONDARY TO MEDIUM-CHAIN ACYL-CoA DEHYDROGENASE DEFICIENCY; Medium chain acyl-CoA dehydrogenase deficiency; MCAD Deficiency. Identifiers: Orphanet 42, MedGen C0220710, MONDO:0008721, OMIM 201450.

Allele frequency attached by ClinVar (database versions not stated): TOPMed 0.00001.
gnomAD v4.1: 6 of 1,613,210 alleles (0.00037%); highest among the groups gnomAD compares: South Asian, 0.0044%; no homozygotes.

Submissions (5):

Myriad Genetics, Inc.
Classification: Uncertain significance for Medium-chain acyl-coenzyme A dehydrogenase deficiency. Last evaluated: 2026-06-02. Review status: criteria provided, single submitter. Criteria: Myriad Autosomal Dominant, Autosomal Recessive and X-Linked Classification Criteria (2023). Collection method: clinical testing. Allele origin: unknown.
Comment: NM_000016.4(ACADM):c.86G>T(R29L) is a missense variant classified as a variant of uncertain significance in the context of medium-chain acyl-CoA dehydrogenase deficiency. R29L has not been observed in cases with relevant disease. Relevant functional assessments of this variant are not available in the literature. R29L has not been observed in referenced population frequency databases. In summary, there is insufficient evidence to classify NM_000016.4(ACADM):c.86G>T(R29L) as pathogenic or benign. Please note: this variant was assessed in the context of healthy population screening.

Natera, Inc.
Classification: Likely pathogenic for Medium Chain Acyl-CoA Dehydrogenase Deficiency. Last evaluated: 2025-07-25. Review status: criteria provided, single submitter. Criteria: Natera Variant Classification Schema (03/2026). Collection method: clinical testing. Allele origin: germline.
Comment: The c.86G>T variant in ACADM is a missense variant predicted to cause substitution of arginine to leucine at amino acid 29. This variant is rare in the general population with a frequency below the threshold expected for the associated phenotype(s). This variant has been observed in one or more individuals affected with the associated recessive disease, as either homozygous or compound heterozygous with a second variant (PMID: 20434380). Functional studies show that this variant may disrupt protein function (PMID: 38324470). Multiple computational prediction algorithms suggest this variant is unlikely to affect gene or protein function. Given the available evidence, this variant is classified as Likely Pathogenic.

Women's Health and Genetics/Laboratory Corporation of America, LabCorp
Classification: Likely pathogenic for Medium-chain acyl-coenzyme A dehydrogenase deficiency. Last evaluated: 2025-07-09. Review status: criteria provided, single submitter. Criteria: LabCorp Variant Classification Summary - May 2015. Collection method: clinical testing. Allele origin: germline.
Comment: Variant summary: ACADM c.86G>T (p.Arg29Leu) results in a non-conservative amino acid change in the encoded protein sequence. Algorithms developed to predict the effect of missense changes on protein structure and function are either unavailable or do not agree on the potential impact of this missense change. The variant was absent in 251420 control chromosomes. c.86G>T has been observed in the presumed compound heterozygous state in at least 2 individual(s) affected with Medium Chain Acyl-CoA Dehydrogenase Deficiency (example, Smith_2010, Labcorp Genetics (formerly Invitae)). These data indicate that the variant may be associated with disease. A different variant affecting the same codon has been classified as likely pathogenic/pathogenic by our lab (c.86G>A, p.Arg29Gln), supporting the critical relevance of codon 29 to ACADM protein function. To our knowledge, no experimental evidence demonstrating an impact on protein function has been reported. The following publications have been ascertained in the context of this evaluation (PMID: 20434380, 38324470). ClinVar contains an entry for this variant (Variation ID: 203537). Based on the evidence outlined above, the variant was classified as likely pathogenic.

Fulgent Genetics
Classification: Likely pathogenic for Medium-chain acyl-coenzyme A dehydrogenase deficiency. Last evaluated: 2024-05-17. Review status: criteria provided, single submitter. Criteria: ACMG Guidelines, 2015. Collection method: clinical testing. Allele origin: germline.

Labcorp Genetics (formerly Invitae), Labcorp
Classification: Pathogenic for Medium-chain acyl-coenzyme A dehydrogenase deficiency. Last evaluated: 2023-10-09. Review status: criteria provided, single submitter. Criteria: Invitae Variant Classification Sherloc (09022015). Collection method: clinical testing. Allele origin: germline.
Comment: This sequence change replaces arginine, which is basic and polar, with leucine, which is neutral and non-polar, at codon 29 of the ACADM protein (p.Arg29Leu). This variant is not present in population databases (gnomAD no frequency). This missense change has been observed in individual(s) with ACADM-related disease (PMID: 20434380; Invitae). In at least one individual the data is consistent with being in trans (on the opposite chromosome) from a pathogenic variant. ClinVar contains an entry for this variant (Variation ID: 203537). Advanced modeling of protein sequence and biophysical properties (such as structural, functional, and spatial information, amino acid conservation, physicochemical variation, residue mobility, and thermodynamic stability) performed at Invitae indicates that this missense variant is not expected to disrupt ACADM protein function. Algorithms developed to predict the effect of sequence changes on RNA splicing suggest that this variant may disrupt the consensus splice site. This variant disrupts the p.Arg29 amino acid residue in ACADM. Other variant(s) that disrupt this residue have been observed in individuals with ACADM-related conditions (PMID: 20434380), which suggests that this may be a clinically significant amino acid residue. For these reasons, this variant has been classified as Pathogenic.

Literature cited by the submitters: PubMed 20434380 (cited by 3 submitters); PubMed 38324470 (cited by Natera, Inc. and Women's Health and Genetics/Laboratory Corporation of America, LabCorp).

NM_000016.6(ACADM):c.86G>T (p.Arg29Leu)

Gene: ACADM (acyl-CoA dehydrogenase medium chain; plus strand). Cytogenetic location: 1p31.1.
Variant type: single nucleotide variant.
Coding change: c.86G>T on transcript NM_000016.6 (MANE Select); coding-DNA position 86, G replaced by T.
Protein change: p.Arg29Leu; replaces arginine 29 with leucine.
Molecular consequence: missense variant. On other transcripts: intron variant (2).
Genome position (GRCh38, 1-based): chr1:75,728,456, G>T. VCF-style: chr1-75728456-G-T. GRCh37 (hg19) VCF-style: chr1-76194141-G-T.
Other names: c.98G>T, p.Arg33Leu (NM_001127328.3); c.86G>T, p.Arg29Leu (NM_001286043.2); c.10+3639G>T (NM_001286042.2); c.-268+3639G>T (NM_001286044.2); short protein forms R29L, R33L.
Identifiers: ClinVar variation 203537 (VCV000203537.12), dbSNP rs769906625, ClinGen allele CA312169.
Genomic context (GRCh38, chr1:75,728,456, plus strand): 5'-TACAGGTCCTGAGAAGTATTTCTCGTTTTCATTGGAGATCACAGCATACAAAAGCCAATC[G>T]ACAACGTGAACCAGGATTAGGATTTAGTTTTGGTATATGTTCGGTTCTATCTTTTGACTT-3'
Protein context (NP_000007.1, residues 19-39): HWRSQHTKAN[Arg29Leu]QREPGLGFSF